The following is an entry in ClinVar:

ClinVar aggregate classification (germline): Uncertain significance. Review status: criteria provided, multiple submitters, no conflicts (2 of 4 stars). 2 submissions from 2 submitters: Uncertain significance (2). Last evaluated 2025-08-18.

Conditions:
Inborn genetic diseases. Identifiers: MedGen C0950123, MeSH D030342.

Allele frequency attached by ClinVar (database versions not stated): ExAC 0.00001; gnomAD exomes 0.00001 and 0.00002; TOPMed 0.00007; gnomAD 0.00011 and 0.00012.
gnomAD v4.1: 27 of 1,610,714 alleles (0.0017%); highest among the groups gnomAD compares: Admixed American, 0.027%; no homozygotes.

Submissions (2):

Labcorp Genetics (formerly Invitae), Labcorp
Classification: Uncertain significance. Last evaluated: 2025-08-18. Review status: criteria provided, single submitter. Criteria: Invitae Variant Classification Sherloc (09022015). Collection method: clinical testing. Allele origin: germline.
Comment: This sequence change replaces valine, which is neutral and non-polar, with isoleucine, which is neutral and non-polar, at codon 1038 of the SPEG protein (p.Val1038Ile). This variant is present in population databases (rs765133843, gnomAD 0.009%). This variant has not been reported in the literature in individuals affected with SPEG-related conditions. ClinVar contains an entry for this variant (Variation ID: 1440504). An algorithm developed to predict the effect of missense changes on protein structure and function outputs the following: PolyPhen-2: "Benign". The isoleucine amino acid residue is found in multiple mammalian species, which suggests that this missense change does not adversely affect protein function. In summary, the available evidence is currently insufficient to determine the role of this variant in disease. Therefore, it has been classified as a Variant of Uncertain Significance.

Ambry Genetics
Classification: Uncertain significance for Inborn genetic diseases. Last evaluated: 2025-06-25. Review status: criteria provided, single submitter. Criteria: Ambry Variant Classification Scheme 2023. Collection method: clinical testing. Allele origin: germline.

NM_005876.5(SPEG):c.3112G>A (p.Val1038Ile)

Gene: SPEG (striated muscle enriched protein kinase; plus strand). Cytogenetic location: 2q35.
Variant type: single nucleotide variant.
Coding change: c.3112G>A on transcript NM_005876.5 (MANE Select); coding-DNA position 3112, G replaced by A.
Protein change: p.Val1038Ile; replaces valine 1038 with isoleucine.
Molecular consequence: missense variant.
Genome position (GRCh38, 1-based): chr2:219,467,404, G>A. VCF-style: chr2-219467404-G-A. GRCh37 (hg19) VCF-style: chr2-220332126-G-A.
Other names: c.3112G>A (NM_005876.4); short protein forms V1038I.
Identifiers: ClinVar variation 1440504 (VCV001440504.7), dbSNP rs765133843, ClinGen allele CA2126060.